The following is an entry in ClinVar:

ClinVar aggregate classification (germline): Uncertain significance (1 of 4 stars; one submission).

Conditions:
Cholestanol storage disease (CTX). Also called: CEREBRAL CHOLESTERINOSIS; Cerebrotendinous Xanthomatosis; CTX: Cerebrotendinous xanthomatosis. Identifiers: Orphanet 909, MedGen C0238052, MONDO:0008948, OMIM 213700.

Submission:

Labcorp Genetics (formerly Invitae), Labcorp
Classification: Uncertain significance for Cholestanol storage disease. Last evaluated: 2022-01-04. Review status: criteria provided, single submitter. Criteria: Invitae Variant Classification Sherloc (09022015). Collection method: clinical testing. Allele origin: germline.
Comment: This sequence change replaces alanine, which is neutral and non-polar, with serine, which is neutral and polar, at codon 388 of the CYP27A1 protein (p.Ala388Ser). This variant is not present in population databases (gnomAD no frequency). In summary, the available evidence is currently insufficient to determine the role of this variant in disease. Therefore, it has been classified as a Variant of Uncertain Significance. Algorithms developed to predict the effect of missense changes on protein structure and function are either unavailable or do not agree on the potential impact of this missense change (SIFT: "Deleterious"; PolyPhen-2: "Probably Damaging"; Align-GVGD: "Class C0"). This variant has not been reported in the literature in individuals affected with CYP27A1-related conditions.

NM_000784.4(CYP27A1):c.1162G>T (p.Ala388Ser)

Gene: CYP27A1 (cytochrome P450 family 27 subfamily A member 1; plus strand). Cytogenetic location: 2q35.
Variant type: single nucleotide variant.
Coding change: c.1162G>T on transcript NM_000784.4 (MANE Select); coding-DNA position 1162, G replaced by T.
Protein change: p.Ala388Ser; replaces alanine 388 with serine.
Molecular consequence: missense variant.
Genome position (GRCh38, 1-based): chr2:218,814,165, G>T. VCF-style: chr2-218814165-G-T. GRCh37 (hg19) VCF-style: chr2-219678888-G-T.
Other names: short protein forms A388S.
Identifiers: ClinVar variation 1953082 (VCV001953082.3), dbSNP rs1201958431, ClinGen allele CA350592579.